The following is an entry in ClinVar:

ClinVar aggregate classification (germline): Conflicting classifications of pathogenicity. Review status: criteria provided, conflicting classifications (1 of 4 stars). 3 submissions from 3 submitters: Uncertain significance (1); Benign (1); Likely benign (1). Last evaluated 2025-05-05.

Conditions:
NSD1-related disorder. Also called: NSD1-related condition.
Inborn genetic diseases. Identifiers: MedGen C0950123, MeSH D030342.

Allele frequency attached by ClinVar (database versions not stated): gnomAD exomes below 0.00001; gnomAD 0.00001; TOPMed 0.00001.
gnomAD v4.1: 8 of 1,614,032 alleles (0.0005%); highest among the groups gnomAD compares: South Asian, 0.0011%; no homozygotes.

Submissions (3):

Ambry Genetics
Classification: Likely benign for Inborn genetic diseases. Last evaluated: 2025-05-05. Review status: criteria provided, single submitter. Criteria: Ambry Variant Classification Scheme 2023. Collection method: clinical testing. Allele origin: germline.

Labcorp Genetics (formerly Invitae), Labcorp
Classification: Benign. Last evaluated: 2025-03-19. Review status: criteria provided, single submitter. Criteria: Invitae Variant Classification Sherloc (09022015). Collection method: clinical testing. Allele origin: germline.

PreventionGenetics, part of Exact Sciences
Classification: Uncertain significance for NSD1-related condition. Last evaluated: 2023-04-21. Review status: criteria provided, single submitter. Criteria: ACMG Guidelines, 2015. Collection method: clinical testing. Allele origin: germline.
Comment: The NSD1 c.583T>G variant is predicted to result in the amino acid substitution p.Tyr195Asp. To our knowledge, this variant has not been reported in the literature. This variant is reported in 0.020% of alleles in individuals of Ashkenazi Jewish descent in gnomAD. At this time, the clinical significance of this variant is uncertain due to the absence of conclusive functional and genetic evidence.

NM_022455.5(NSD1):c.583T>G (p.Tyr195Asp)

Gene: NSD1 (nuclear receptor binding SET domain protein 1; plus strand). Cytogenetic location: 5q35.3.
Variant type: single nucleotide variant.
Coding change: c.583T>G on transcript NM_022455.5 (MANE Select); coding-DNA position 583, T replaced by G.
Protein change: p.Tyr195Asp; replaces tyrosine 195 with aspartic acid.
Molecular consequence: missense variant. On other transcripts: intron variant (8).
Genome position (GRCh38, 1-based): chr5:177,135,686, T>G. VCF-style: chr5-177135686-T-G. GRCh37 (hg19) VCF-style: chr5-176562687-T-G.
Other names: c.583T>G, p.Tyr195Asp (NM_001409301.1, NM_001409302.1, NM_001409303.1); c.417+166T>G (NM_001409304.1); c.-36-255T>G (NM_001409305.1, NM_001409306.1, NM_001409308.1 and 4 more transcripts); short protein forms Y195D.
Identifiers: ClinVar variation 2633244 (VCV002633244.3), dbSNP rs1417236940, ClinGen allele CA362294508.